The following is an entry in ClinVar:

ClinVar aggregate classification (germline): Uncertain significance (1 of 4 stars; one submission).

Conditions:
Progressive myoclonic epilepsy. Also called: Myoclonus epilepsy; Progressive myoclonus epilepsy; Familial progressive myoclonic epilepsy; Myoclonic Epilepsies, Progressive. Identifiers: Orphanet 308, Orphanet 98261, MedGen C0751778, MONDO:0020074.

Allele frequency attached by ClinVar (database versions not stated): gnomAD exomes below 0.00001; ExAC 0.00001; TOPMed 0.00001.
gnomAD v4.1: 1 of 1,533,140 alleles (0.000065%); highest among the groups gnomAD compares: Non-Finnish European, 0.00009%; no homozygotes.

Submission:

Labcorp Genetics (formerly Invitae), Labcorp
Classification: Uncertain significance for Progressive myoclonic epilepsy. Last evaluated: 2021-08-25. Review status: criteria provided, single submitter. Criteria: Invitae Variant Classification Sherloc (09022015). Collection method: clinical testing. Allele origin: germline.
Comment: This sequence change replaces lysine with glutamine at codon 27 of the GOSR2 protein (p.Lys27Gln). The lysine residue is moderately conserved and there is a small physicochemical difference between lysine and glutamine. This variant is present in population databases (rs760997502, ExAC 0.002%). This variant has not been reported in the literature in individuals affected with GOSR2-related conditions. Algorithms developed to predict the effect of missense changes on protein structure and function are either unavailable or do not agree on the potential impact of this missense change (SIFT: "Tolerated"; PolyPhen-2: "Possibly Damaging"; Align-GVGD: "Class C0"). In summary, the available evidence is currently insufficient to determine the role of this variant in disease. Therefore, it has been classified as a Variant of Uncertain Significance.

NM_004287.5(GOSR2):c.79A>C (p.Lys27Gln)

Genes: GOSR2 (golgi SNAP receptor complex member 2; plus strand), LRRC37A2 (leucine rich repeat containing 37 member A2). Cytogenetic location: 17q21.32.
Variant type: single nucleotide variant.
Coding change: c.79A>C on transcript NM_004287.5 (MANE Select); coding-DNA position 79, A replaced by C.
Protein change: p.Lys27Gln; replaces lysine 27 with glutamine.
Molecular consequence: missense variant. On other transcripts: non-coding transcript variant (3).
Genome position (GRCh38, 1-based): chr17:46,929,569, A>C. VCF-style: chr17-46929569-A-C. GRCh37 (hg19) VCF-style: chr17-45006935-A-C.
Other names: c.79A>C, p.Lys27Gln (NM_001012511.3, NM_001321133.2, NM_001330252.2 and 4 more transcripts); c.25A>C, p.Lys9Gln (NM_001321134.2, NM_001363851.2); short protein forms K27Q, K9Q.
Identifiers: ClinVar variation 1034620 (VCV001034620.7), dbSNP rs760997502, ClinGen allele CA8621133.
Genomic context (GRCh38, chr17:46,929,569, plus strand): 5'-TCCTTTGATAGGCAGGTCCACGAGATCCAGTCTTGCATGGGACGCCTGGAGACGGCAGAC[A>C]AGCAGTCTGTGCACAGTGAGTAATTAACTGTGGAGACCAGAGTCCTTTCTCTGATGACAG-3'
Protein context (NP_004278.2, residues 17-37): SCMGRLETAD[Lys27Gln]QSVHIVENEI